The following is an entry in ClinVar:

NM_006147.4(IRF6):c.-4+33C>G

Gene: IRF6 (interferon regulatory factor 6; minus strand). Cytogenetic location: 1q32.2.
Variant type: single nucleotide variant.
Coding change: c.-4+33C>G on transcript NM_006147.4 (MANE Select); 33 bases into the intron after 4 bases upstream of the start codon, C replaced by G.
Molecular consequence: intron variant.
Genome position (GRCh38, 1-based): chr1:209,801,939, G>C on the plus strand (C>G on the coding strand, the complement: IRF6 is on the minus strand). VCF-style: chr1-209801939-G-C. GRCh37 (hg19) VCF-style: chr1-209975284-G-C.
Other names: c.-112+4008C>G (NM_001206696.2).
Identifiers: ClinVar variation 981923 (VCV000981923.2), dbSNP rs187948380, ClinGen allele CA36756283.

ClinVar aggregate classification (germline): Benign (1 of 4 stars; one submission).

Conditions:
Orofacial cleft 6, susceptibility to (OFC6). Also called: CLEFT LIP WITH OR WITHOUT CLEFT PALATE, NONSYNDROMIC, 6. Identifiers: MedGen C1837213, MONDO:0012141, OMIM 608864.

Allele frequency attached by ClinVar (database versions not stated): 1000 Genomes Project 0.00160; TOPMed 0.00106; 1000 Genomes Project 30x 0.00141.

Submission:

Laboratorio de Biologia Experimental, Instituto Nacional de Pediatria, Mexico
Classification: Benign for Orofacial cleft 6, susceptibility to. Last evaluated: 2020-07-10. Review status: criteria provided, single submitter. Criteria: ACMG Guidelines, 2015. Collection method: case-control. Allele origin: inherited. Affected: yes. Observed: 1 variant allele.
Comment: The variant was consider Benign by its location and effect and also has been reported in healthy cohorts as gnomAD (45 alleles).

In the study 172 individuals diagnosed as non-syndromic cleft lip palate.

Literature cited by the submitters: DOI 10.1177/0022034516647034.